The following is an entry in ClinVar:

NM_015331.3(NCSTN):c.977T>C (p.Met326Thr)

Gene: NCSTN (nicastrin; plus strand). Cytogenetic location: 1q23.2.
Variant type: single nucleotide variant.
Coding change: c.977T>C on transcript NM_015331.3 (MANE Select); coding-DNA position 977, T replaced by C.
Protein change: p.Met326Thr; replaces methionine 326 with threonine.
Molecular consequence: missense variant. On other transcripts: intron variant (1).
Genome position (GRCh38, 1-based): chr1:160,352,187, T>C. VCF-style: chr1-160352187-T-C. GRCh37 (hg19) VCF-style: chr1-160321977-T-C.
Other names: c.917T>C, p.Met306Thr (NM_001290184.2); c.977T>C, p.Met326Thr (NM_001349729.2); c.583-700T>C (NM_001290186.2); short protein forms M306T, M326T.
Identifiers: ClinVar variation 2712191 (VCV002712191.3), dbSNP rs1648892473, ClinGen allele CA343280050.

ClinVar aggregate classification (germline): Uncertain significance (1 of 4 stars; one submission).

Submission:

Labcorp Genetics (formerly Invitae), Labcorp
Classification: Uncertain significance. Last evaluated: 2025-05-05. Review status: criteria provided, single submitter. Criteria: Invitae Variant Classification Sherloc (09022015). Collection method: clinical testing. Allele origin: germline.
Comment: This sequence change replaces methionine, which is neutral and non-polar, with threonine, which is neutral and polar, at codon 326 of the NCSTN protein (p.Met326Thr). This variant is not present in population databases (gnomAD no frequency). This variant has not been reported in the literature in individuals affected with NCSTN-related conditions. ClinVar contains an entry for this variant (Variation ID: 2712191). Invitae Evidence Modeling of protein sequence and biophysical properties (such as structural, functional, and spatial information, amino acid conservation, physicochemical variation, residue mobility, and thermodynamic stability) indicates that this missense variant is expected to disrupt NCSTN protein function with a positive predictive value of 80%. In summary, the available evidence is currently insufficient to determine the role of this variant in disease. Therefore, it has been classified as a Variant of Uncertain Significance.